The following is an entry in ClinVar:

NM_001035.3(RYR2):c.4840C>A (p.Arg1614Ser)

Gene: RYR2 (ryanodine receptor 2; plus strand). Cytogenetic location: 1q43.
Variant type: single nucleotide variant.
Coding change: c.4840C>A on transcript NM_001035.3 (MANE Select); coding-DNA position 4840, C replaced by A.
Protein change: p.Arg1614Ser; replaces arginine 1614 with serine.
Molecular consequence: missense variant.
Genome position (GRCh38, 1-based): chr1:237,610,918, C>A. VCF-style: chr1-237610918-C-A. GRCh37 (hg19) VCF-style: chr1-237774218-C-A.
Other names: c.4840C>A (NM_001035.2); short protein forms R1614S.
Identifiers: ClinVar variation 1990028 (VCV001990028.5), dbSNP rs373079767, ClinGen allele CA086748.
Genomic context (GRCh38, chr1:237,610,918, plus strand): 5'-GTCCTGTGGAGCAGAATGCCCAACCAGTTTTTGAAGGTAGATGTGTCTCGAATAAGTGAA[C>A]GCCAAGGCTGGTTGGTGCAGTGTTTGGATCCTCTGCAGTTCATGTCTCTTCATATCCCTG-3'
Protein context (NP_001026.2, residues 1604-1624): LKVDVSRISE[Arg1614Ser]QGWLVQCLDP

ClinVar aggregate classification (germline): Uncertain significance. Review status: criteria provided, multiple submitters, no conflicts (2 of 4 stars). 2 submissions from 2 submitters: Uncertain significance (2). Last evaluated 2026-09-01.

Conditions:
Catecholaminergic polymorphic ventricular tachycardia 1. Also called: VENTRICULAR TACHYCARDIA, CATECHOLAMINERGIC POLYMORPHIC, 1, WITH OR WITHOUT ATRIAL DYSFUNCTION AND/OR DILATED CARDIOMYOPATHY; RYR2-Related Catecholaminergic Polymorphic Ventricular Tachycardia; VENTRICULAR TACHYCARDIA, STRESS-INDUCED POLYMORPHIC 1. Identifiers: Orphanet 3286, MedGen C1631597, MONDO:0011484, OMIM 604772.
Cardiovascular phenotype. Identifiers: MedGen CN230736.

Allele frequency attached by ClinVar (database versions not stated): ESP Exome Variant Server 0.00008.
gnomAD v4.1: 17 of 1,613,482 alleles (0.0011%); highest among the groups gnomAD compares: Non-Finnish European, 0.0014%; no homozygotes.

Submissions (2):

Ambry Genetics
Classification: Uncertain significance for Cardiovascular phenotype. Last evaluated: 2026-09-01. Review status: criteria provided, single submitter. Criteria: Ambry Variant Classification Scheme 2023. Collection method: clinical testing. Allele origin: germline.
Comment: The p.R1614S variant (also known as c.4840C>A), located in coding exon 36 of the RYR2 gene, results from a C to A substitution at nucleotide position 4840. The arginine at codon 1614 is replaced by serine, an amino acid with dissimilar properties. This variant was reported in individual(s) with features consistent with RYR2-related ventricular arrhythmia (Young WJ et al. Heart Rhythm, 2024 Jun;21:903-910). This amino acid position is highly conserved in available vertebrate species. In addition, this alteration is predicted to be deleterious by in silico analysis. Based on the available evidence, the clinical significance of this variant remains unclear.

Labcorp Genetics (formerly Invitae), Labcorp
Classification: Uncertain significance for Catecholaminergic polymorphic ventricular tachycardia 1. Last evaluated: 2022-08-09. Review status: criteria provided, single submitter. Criteria: Invitae Variant Classification Sherloc (09022015). Collection method: clinical testing. Allele origin: germline.
Comment: In summary, the available evidence is currently insufficient to determine the role of this variant in disease. Therefore, it has been classified as a Variant of Uncertain Significance. Algorithms developed to predict the effect of missense changes on protein structure and function (SIFT, PolyPhen-2, Align-GVGD) all suggest that this variant is likely to be disruptive. This variant has not been reported in the literature in individuals affected with RYR2-related conditions. The frequency data for this variant in the population databases is considered unreliable, as metrics indicate poor data quality at this position in the gnomAD database. This sequence change replaces arginine, which is basic and polar, with serine, which is neutral and polar, at codon 1614 of the RYR2 protein (p.Arg1614Ser).

Literature cited by the submitters: PubMed 38218330 (cited by Ambry Genetics).